The following is an entry in ClinVar:

NM_001122630.2(CDKN1C):c.347del (p.Asp116fs)

Gene: CDKN1C (cyclin dependent kinase inhibitor 1C; minus strand). Cytogenetic location: 11p15.4.
Variant type: Deletion.
Coding change: c.347del on transcript NM_001122630.2 (MANE Select); coding-DNA position 347, one base deleted (A; older notation c.347delA).
Protein change: p.Asp116fs; shifts the reading frame from aspartic acid 116.
Molecular consequence: frameshift variant. On other transcripts: intron variant (1).
Genome position (GRCh38, 1-based): chr11:2,885,110, T deleted on the plus strand (A on the coding strand, the reverse complement: CDKN1C is on the minus strand). VCF-style (leftmost placement, unchanged base first): chr11-2885109-GT-G. GRCh37 (hg19) VCF-style: chr11-2906339-GT-G.
Other names: c.380del, p.Asp127fs (NM_000076.2, NM_001362474.2); c.347del, p.Asp116fs (NM_001122631.2); c.255+92del (NM_001362475.2); short protein forms D127fs, D116fs.
Identifiers: ClinVar variation 2032292 (VCV002032292.4), dbSNP rs2494388585, ClinGen allele CA2580082685.

ClinVar aggregate classification (germline): Pathogenic (1 of 4 stars; one submission).

Conditions:
Beckwith-Wiedemann syndrome (BWS). Also called: Exomphalos macroglossia gigantism syndrome; EMG SYNDROME. Identifiers: Orphanet 116, MedGen C0004903, MONDO:0007534, OMIM 130650.

Submission:

Labcorp Genetics (formerly Invitae), Labcorp
Classification: Pathogenic for Beckwith-Wiedemann syndrome. Last evaluated: 2022-09-23. Review status: criteria provided, single submitter. Criteria: Invitae Variant Classification Sherloc (09022015). Collection method: clinical testing. Allele origin: germline.
Comment: This variant has not been reported in the literature in individuals affected with CDKN1C-related conditions. For these reasons, this variant has been classified as Pathogenic. This variant is not present in population databases (gnomAD no frequency). This sequence change creates a premature translational stop signal (p.Asp127Alafs*145) in the CDKN1C gene. It is expected to result in an absent or disrupted protein product. Loss-of-function variants in CDKN1C are known to be pathogenic (PMID: 20503313).

Literature cited by the submitters: PubMed 20503313.